The following is an entry in ClinVar:

NM_000026.4(ADSL):c.274G>A (p.Val92Met)

Gene: ADSL (adenylosuccinate lyase; plus strand). Cytogenetic location: 22q13.1.
Variant type: single nucleotide variant.
Coding change: c.274G>A on transcript NM_000026.4 (MANE Select); coding-DNA position 274, G replaced by A.
Protein change: p.Val92Met; replaces valine 92 with methionine.
Molecular consequence: missense variant. On other transcripts: non-coding transcript variant (1).
Genome position (GRCh38, 1-based): chr22:40,349,952, G>A. VCF-style: chr22-40349952-G-A. GRCh37 (hg19) VCF-style: chr22-40745956-G-A.
Other names: c.274G>A, p.Val92Met (NM_001123378.3, NM_001363840.3); c.82G>A, p.Val28Met (NM_001317923.2); short protein forms V92M, V28M.
Identifiers: ClinVar variation 1395172 (VCV001395172.8), dbSNP rs763852823, ClinGen allele CA10247660.

ClinVar aggregate classification (germline): Uncertain significance (1 of 4 stars; one submission).

Conditions:
Adenylosuccinate lyase deficiency (ADSLD). Also called: ADSL DEFICIENCY. Identifiers: Orphanet 46, MedGen C0268126, MONDO:0007068, OMIM 103050.

Allele frequency attached by ClinVar (database versions not stated): gnomAD 0.00001; gnomAD exomes 0.00001 and below 0.00001; TOPMed 0.00001; ExAC 0.00002.
gnomAD v4.1: 8 of 1,614,022 alleles (0.0005%); highest among the groups gnomAD compares: African/African-American, 0.0053%; no homozygotes.

Submission:

Labcorp Genetics (formerly Invitae), Labcorp
Classification: Uncertain significance for Adenylosuccinate lyase deficiency. Last evaluated: 2024-10-22. Review status: criteria provided, single submitter. Criteria: Invitae Variant Classification Sherloc (09022015). Collection method: clinical testing. Allele origin: germline.
Comment: This sequence change replaces valine, which is neutral and non-polar, with methionine, which is neutral and non-polar, at codon 92 of the ADSL protein (p.Val92Met). This variant is present in population databases (rs763852823, gnomAD 0.01%). This variant has not been reported in the literature in individuals affected with ADSL-related conditions. ClinVar contains an entry for this variant (Variation ID: 1395172). Invitae Evidence Modeling of protein sequence and biophysical properties (such as structural, functional, and spatial information, amino acid conservation, physicochemical variation, residue mobility, and thermodynamic stability) indicates that this missense variant is expected to disrupt ADSL protein function with a positive predictive value of 80%. In summary, the available evidence is currently insufficient to determine the role of this variant in disease. Therefore, it has been classified as a Variant of Uncertain Significance.